The following is an entry in ClinVar:

ClinVar aggregate classification (germline): Uncertain significance (1 of 4 stars; one submission).

Submission:

GeneDx
Classification: Uncertain significance. Last evaluated: 2025-07-21. Review status: criteria provided, single submitter. Criteria: GeneDx Variant Classification Process June 2021. Collection method: clinical testing. Allele origin: germline. Affected: yes.
Comment: Not observed at significant frequency in large population cohorts (gnomAD); In silico analysis suggests that this missense variant does not alter protein structure/function; Has not been previously published as pathogenic or benign to our knowledge

NM_001005273.3(CHD3):c.505A>G (p.Met169Val)

Gene: CHD3 (chromodomain helicase DNA binding protein 3; plus strand). Cytogenetic location: 17p13.1.
Variant type: single nucleotide variant.
Coding change: c.505A>G on transcript NM_001005273.3 (MANE Select); coding-DNA position 505, A replaced by G.
Protein change: p.Met169Val; replaces methionine 169 with valine.
Molecular consequence: missense variant.
Genome position (GRCh38, 1-based): chr17:7,891,060, A>G. VCF-style: chr17-7891060-A-G. GRCh37 (hg19) VCF-style: chr17-7794378-A-G.
Other names: c.682A>G, p.Met228Val (NM_001005271.3, NM_001437504.1, NM_001437507.1 and 2 more transcripts); c.505A>G, p.Met169Val (NM_005852.4); short protein forms M169V, M228V.
Identifiers: ClinVar variation 4686826 (VCV004686826.1).
Genomic context (GRCh38, chr17:7,891,060, plus strand): 5'-CATGTGTTCTCTGAGGAGGATTACCACACGCTCACCAACTACAAAGCCTTCAGCCAGTTC[A>G]TGAGGTGCGGTAAGACTGGGGAATCCTCGCTAATTGACACTTTTAATTTGAGGGAGGTCC-3'
Protein context (NP_001005273.1, residues 159-179): LTNYKAFSQF[Met169Val]RPLIAKKNPK